The following is an entry in ClinVar:

NM_003922.4(HERC1):c.11534A>G (p.Asn3845Ser)

Gene: HERC1 (HECT and RLD domain containing E3 ubiquitin protein ligase family member 1; minus strand). Cytogenetic location: 15q22.31.
Variant type: single nucleotide variant.
Coding change: c.11534A>G on transcript NM_003922.4 (MANE Select); coding-DNA position 11534, A replaced by G.
Protein change: p.Asn3845Ser; replaces asparagine 3845 with serine.
Molecular consequence: missense variant.
Genome position (GRCh38, 1-based): chr15:63,641,543, T>C on the plus strand (A>G on the coding strand, the complement: HERC1 is on the minus strand). VCF-style: chr15-63641543-T-C. GRCh37 (hg19) VCF-style: chr15-63933742-T-C.
Other names: short protein forms N3845S.
Identifiers: ClinVar variation 2228942 (VCV002228942.2), dbSNP rs1363998324, ClinGen allele CA392746484.
Genomic context (GRCh38, chr15:63,641,543, plus strand): 5'-TACTGCTCCTGAAGCATCATGGGGAGCCGCTCCAAAAATGCTCTCATGCAGGGAGCCATG[T>C]TCAATCCCAGAACACCCTGCTGTTTCAATGCTGTCCTACAGGTTGCCAAAACATGATTGG-3'
Protein context (NP_003913.3, residues 3835-3855): ALKQQGVLGL[Asn3845Ser]MAPCMRAFLE

ClinVar aggregate classification (germline): Uncertain significance (1 of 4 stars; one submission).

Conditions:
Inborn genetic diseases. Identifiers: MedGen C0950123, MeSH D030342.

Allele frequency attached by ClinVar (database versions not stated): gnomAD exomes below 0.00001.
gnomAD v4.1: 1 of 1,613,004 alleles (0.000062%); highest among the groups gnomAD compares: Admixed American, 0.0017%; no homozygotes.

Submission:

Ambry Genetics
Classification: Uncertain significance for Inborn genetic diseases. Last evaluated: 2021-01-29. Review status: criteria provided, single submitter. Criteria: Ambry Variant Classification Scheme 2023. Collection method: clinical testing. Allele origin: germline.
Comment: The c.11534A>G (p.N3845S) alteration is located in exon 60 (coding exon 59) of the HERC1 gene. This alteration results from a A to G substitution at nucleotide position 11534, causing the asparagine (N) at amino acid position 3845 to be replaced by a serine (S). The p.N3845S alteration is predicted to be tolerated by in silico analysis. Based on insufficient or conflicting evidence, the clinical significance of this alteration remains unclear.